The following is an entry in ClinVar:

ClinVar aggregate classification (germline): Pathogenic (1 of 4 stars; one submission).

Submission:

Labcorp Genetics (formerly Invitae), Labcorp
Classification: Pathogenic. Last evaluated: 2023-10-12. Review status: criteria provided, single submitter. Criteria: Invitae Variant Classification Sherloc (09022015). Collection method: clinical testing. Allele origin: germline.
Comment: This sequence change creates a premature translational stop signal (p.Arg920Valfs*11) in the HPS5 gene. It is expected to result in an absent or disrupted protein product. Loss-of-function variants in HPS5 are known to be pathogenic (PMID: 12548288, 15296495, 21833017, 26785811). This variant is not present in population databases (gnomAD no frequency). This variant has not been reported in the literature in individuals affected with HPS5-related conditions. For these reasons, this variant has been classified as Pathogenic.

Literature cited by the submitters: PubMed 12548288; PubMed 15296495; PubMed 21833017; PubMed 26785811.

NM_181507.2(HPS5):c.2758_2759del (p.Arg920fs)

Gene: HPS5 (HPS5 biogenesis of lysosomal organelles complex 2 subunit 2; minus strand). Cytogenetic location: 11p15.1.
Variant type: Deletion.
Coding change: c.2758_2759del on transcript NM_181507.2 (MANE Select); coding-DNA positions 2758 to 2759, 2 bases deleted (AG; older notation c.2758_2759delAG).
Protein change: p.Arg920fs; shifts the reading frame from arginine 920.
Molecular consequence: frameshift variant.
Genome position (GRCh38, 1-based): chr11:18,286,669-18,286,670, CT deleted on the plus strand (AG on the coding strand, the reverse complement: HPS5 is on the minus strand). VCF-style (leftmost placement, unchanged base first): chr11-18286668-CCT-C. GRCh37 (hg19) VCF-style: chr11-18308215-CCT-C.
Other names: c.2416_2417del, p.Arg806fs (NM_007216.4); c.2416_2417delAG, p.Arg806Valfs (NM_181508.2); short protein forms R920fs, R806fs.
Identifiers: ClinVar variation 2767745 (VCV002767745.3), dbSNP rs2494476048, ClinGen allele CA2697548482.
Genomic context (GRCh38, chr11:18,286,668, plus strand): 5'-ATCCATTGTGCTGGTGCTTGGTGGAGCATCAAGGGACACTGCCAAAAGCAGCCAATCCAA[CCT>C]TAAAGACTCTGGTTGCAGAAGGGACTCAAGAAAAGATGACCTAAGAGAAAGTTGGGGAAA-3'